The following is an entry in ClinVar:

ClinVar aggregate classification (germline): Uncertain significance (1 of 4 stars; one submission).

Conditions:
Severe combined immunodeficiency due to DNA-PKcs deficiency. Also called: Immunodeficiency 26 with or without neurologic abnormalities; IMMUNODEFICIENCY 26 WITH NEUROLOGIC ABNORMALITIES. Identifiers: Orphanet 317425, MedGen C4014833, MONDO:0014423, OMIM 615966.

Submission:

Labcorp Genetics (formerly Invitae), Labcorp
Classification: Uncertain significance for Severe combined immunodeficiency due to DNA-PKcs deficiency. Last evaluated: 2019-05-14. Review status: criteria provided, single submitter. Criteria: Invitae Variant Classification Sherloc (09022015). Collection method: clinical testing. Allele origin: germline.
Comment: This sequence change replaces glutamine with lysine at codon 2795 of the PRKDC protein (p.Gln2795Lys). The glutamine residue is highly conserved and there is a small physicochemical difference between glutamine and lysine. This variant is not present in population databases (ExAC no frequency). This variant has not been reported in the literature in individuals with PRKDC-related conditions. Algorithms developed to predict the effect of missense changes on protein structure and function are either unavailable or do not agree on the potential impact of this missense change (SIFT: "Deleterious"; PolyPhen-2: "Probably Damaging"; Align-GVGD: "Class C0"). In summary, the available evidence is currently insufficient to determine the role of this variant in disease. Therefore, it has been classified as a Variant of Uncertain Significance.

NM_006904.7(PRKDC):c.8383C>A (p.Gln2795Lys)

Gene: PRKDC (protein kinase, DNA-activated, catalytic subunit; minus strand). Cytogenetic location: 8q11.21.
Variant type: single nucleotide variant.
Coding change: c.8383C>A on transcript NM_006904.7 (MANE Select); coding-DNA position 8383, C replaced by A.
Protein change: p.Gln2795Lys; replaces glutamine 2795 with lysine.
Molecular consequence: missense variant.
Genome position (GRCh38, 1-based): chr8:47,830,619, G>T on the plus strand (C>A on the coding strand, the complement: PRKDC is on the minus strand). VCF-style: chr8-47830619-G-T. GRCh37 (hg19) VCF-style: chr8-48743180-G-T.
Other names: c.8383C>A, p.Gln2795Lys (NM_001081640.2); short protein forms Q2795K.
Identifiers: ClinVar variation 944893 (VCV000944893.5), dbSNP rs2087843877, ClinGen allele CA371146568.